The following is an entry in ClinVar:

NM_001369.3(DNAH5):c.3650T>C (p.Ile1217Thr)

Genes: DNAH5 (dynein axonemal heavy chain 5; minus strand), DNAH5-AS1 (DNAH5 antisense RNA 1; plus strand). Cytogenetic location: 5p15.2.
Variant type: single nucleotide variant.
Coding change: c.3650T>C on transcript NM_001369.3 (MANE Select); coding-DNA position 3650, T replaced by C.
Protein change: p.Ile1217Thr; replaces isoleucine 1217 with threonine.
Molecular consequence: missense variant.
Genome position (GRCh38, 1-based): chr5:13,870,951, A>G on the plus strand (T>C on the coding strand, the complement: DNAH5 is on the minus strand). VCF-style: chr5-13870951-A-G. GRCh37 (hg19) VCF-style: chr5-13871060-A-G.
Other names: short protein forms I1217T.
Identifiers: ClinVar variation 351190 (VCV000351190.22), dbSNP rs112124692, ClinGen allele CA3204207.

ClinVar aggregate classification (germline): Conflicting classifications of pathogenicity. Review status: criteria provided, conflicting classifications (1 of 4 stars). 6 submissions from 6 submitters: Uncertain significance (2); Benign (1); Likely benign (1). 2 of the submissions do not count toward it. Last evaluated 2026-01-26.

Conditions:
Primary ciliary dyskinesia. Also called: Ciliary dyskinesia. Identifiers: Orphanet 244, MedGen C0008780, MONDO:0016575, HP:0012265.
DNAH5-related disorder. Also called: DNAH5-related condition.
Primary ciliary dyskinesia 3. Identifiers: Orphanet 244, MedGen C1837618, MONDO:0012085, OMIM 608644.

Allele frequency attached by ClinVar (database versions not stated): gnomAD 0.00112; ESP Exome Variant Server 0.00138; TOPMed 0.00177; 1000 Genomes Project 30x 0.00219; 1000 Genomes Project 0.00220.
gnomAD v4.1: 473 of 1,613,818 alleles (0.029%); highest among the groups gnomAD compares: African/African-American, 0.55%; 4 homozygotes.

Submissions (6):

Labcorp Genetics (formerly Invitae), Labcorp
Classification: Likely benign for Primary ciliary dyskinesia. Last evaluated: 2026-01-26. Review status: criteria provided, single submitter. Criteria: Invitae Variant Classification Sherloc (09022015). Collection method: clinical testing. Allele origin: germline.

GeneDx
Classification: Uncertain significance. Last evaluated: 2022-06-08. Review status: criteria provided, single submitter. Criteria: GeneDx Variant Classification Process June 2021. Collection method: clinical testing. Allele origin: germline. Affected: yes.
Comment: In silico analysis supports that this missense variant does not alter protein structure/function; Has not been previously published as pathogenic or benign to our knowledge

Ambry Genetics
Classification: Benign for Primary ciliary dyskinesia. Last evaluated: 2022-04-21. Review status: criteria provided, single submitter. Criteria: Ambry Variant Classification Scheme 2023. Collection method: clinical testing. Allele origin: germline.

Illumina Laboratory Services, Illumina
Classification: Uncertain significance for Primary ciliary dyskinesia 3. Last evaluated: 2018-01-12. Review status: criteria provided, single submitter. Criteria: ICSL Variant Classification Criteria 13 December 2019. Collection method: clinical testing. Allele origin: germline.

PreventionGenetics, part of Exact Sciences
Classification: Likely benign for DNAH5-related condition. Last evaluated: 2022-02-08. Review status: no assertion criteria provided. Collection method: clinical testing. Allele origin: germline. Not counted in ClinVar's aggregate classification.
Comment: This variant is classified as likely benign based on ACMG/AMP sequence variant interpretation guidelines (Richards et al. 2015 PMID: 25741868, with internal and published modifications).

Natera, Inc.
Classification: Likely benign for Primary ciliary dyskinesia. Last evaluated: 2019-11-11. Review status: no assertion criteria provided. Collection method: clinical testing. Allele origin: germline. Not counted in ClinVar's aggregate classification.